The following is an entry in ClinVar:

ClinVar aggregate classification (germline): Likely pathogenic. Review status: criteria provided, multiple submitters, no conflicts (2 of 4 stars). 5 submissions from 5 submitters: Likely pathogenic (2). 3 of the submissions do not count toward it. Last evaluated 2024-05-21.

Conditions:
Vitelliform macular dystrophy 3 (VMD3). Also called: PRPH2 vitelliform macular dystrophy; vitelliform macular dystrophy caused by mutation in PRPH2. Identifiers: MedGen CN295869, MONDO:0024561, OMIM 608161.
Retinitis pigmentosa (RP). Identifiers: Orphanet 791, MedGen C0035334, MeSH D012174, MONDO:0019200, OMIM 268000. Inheritance: Autosomal dominant, autosomal recessive and X linked inheritance.

Submissions (5):

Dasa
Classification: Likely pathogenic. Last evaluated: 2024-05-21. Review status: criteria provided, single submitter. Criteria: DASA Assertion Criteria. Collection method: clinical testing. Allele origin: germline.
Comment: NM_000322.5(PRPH2):c.736T>C (p.Trp246Arg) is a missense variant that results in the substitution of tryptophan with arginine. The affected residue or protein region has prior evidence supporting clinical relevance. This variant has been reported in individuals with PRPH2-related disorders. Published studies describe this variant in association with related phenotype (PMID: 34411390; PMID: 26796962; PMID: 34828423). Also, this variant is absent from population databases. Computational evidence supports a deleterious effect. Based on the currently available evidence, this variant is classified as likely pathogenic.

Institute of Medical Genetics and Applied Genomics, University Hospital Tübingen
Classification: Likely pathogenic for Vitelliform macular dystrophy 3. Last evaluated: 2023-02-08. Review status: criteria provided, single submitter. Criteria: ACMG Guidelines, 2015. Collection method: clinical testing. Allele origin: germline. Affected: yes.

Leiden Open Variation Database
Classification: Likely pathogenic. Last evaluated: 2021-04-06. Review status: no assertion criteria provided. Collection method: curation. Allele origin: germline. Affected: yes. Not counted in ClinVar's aggregate classification.
Comment: Curator: Global Variome, with Curator vacancy. Submitter to LOVD: Manon Peeters.

Department of Ophthalmology and Visual Sciences Kyoto University
Classification: Pathogenic for Retinitis pigmentosa. Review status: no assertion criteria provided. Collection method: not provided. Allele origin: unknown. Not counted in ClinVar's aggregate classification.
ClinVar note: Converted during submission from pathogenic to Pathogenic.

Retina International
No classification provided. Review status: no classification provided. Collection method: not provided. Allele origin: not provided. Not counted in ClinVar's aggregate classification.

Literature cited by the submitters: PubMed 34411390 (cited by Dasa); PubMed 26796962 (cited by Dasa); PubMed 34828423 (cited by Dasa); PubMed 9279751 (cited by Leiden Open Variation Database); PubMed 32717343 (cited by Leiden Open Variation Database).

NM_000322.5(PRPH2):c.736T>C (p.Trp246Arg)

Gene: PRPH2 (peripherin 2; minus strand). Cytogenetic location: 6p21.1.
Variant type: single nucleotide variant.
Coding change: c.736T>C on transcript NM_000322.5 (MANE Select); coding-DNA position 736, T replaced by C.
Protein change: p.Trp246Arg; replaces tryptophan 246 with arginine.
Molecular consequence: missense variant.
Genome position (GRCh38, 1-based): chr6:42,704,457, A>G on the plus strand (T>C on the coding strand, the complement: PRPH2 is on the minus strand). VCF-style: chr6-42704457-A-G. GRCh37 (hg19) VCF-style: chr6-42672195-A-G.
Other names: short protein forms W246R.
Identifiers: ClinVar variation 98706 (VCV000098706.8), dbSNP rs61755817, ClinGen allele CA226307.